The following is an entry in ClinVar:

NM_001386298.1(CIC):c.2795-2040G>A

Gene: CIC (capicua transcriptional repressor; plus strand). Cytogenetic location: 19q13.2.
Variant type: single nucleotide variant.
Coding change: c.2795-2040G>A on transcript NM_001386298.1 (MANE Select); 2040 bases into the intron before coding-DNA position 2795, G replaced by A.
Molecular consequence: intron variant. On other transcripts: missense variant (3).
Genome position (GRCh38, 1-based): chr19:42,284,731, G>A. VCF-style: chr19-42284731-G-A. GRCh37 (hg19) VCF-style: chr19-42788883-G-A.
Other names: c.27G>A, p.Met9Ile (NM_001379484.1, NM_001379485.1, NM_015125.5); c.2795-2040G>A (NM_001304815.2, NM_001379482.1, NM_001379480.1); short protein forms M9I.
Identifiers: ClinVar variation 2601535 (VCV002601535.20), dbSNP rs918165496, ClinGen allele CA308624376.

ClinVar aggregate classification (germline): Conflicting classifications of pathogenicity. Review status: criteria provided, conflicting classifications (1 of 4 stars). 2 submissions from 2 submitters: Uncertain significance (1); Likely benign (1). Last evaluated 2024-06-01.

Conditions:
Inborn genetic diseases. Identifiers: MedGen C0950123, MeSH D030342.

Allele frequency attached by ClinVar (database versions not stated): 1000 Genomes Project 30x 0.00016.
gnomAD v4.1: 38 of 1,556,702 alleles (0.0024%); highest among the groups gnomAD compares: African/African-American, 0.051%; no homozygotes.

Submissions (2):

CeGaT Center for Human Genetics Tuebingen
Classification: Uncertain significance. Last evaluated: 2024-06-01. Review status: criteria provided, single submitter. Criteria: CeGaT Center For Human Genetics Tuebingen Variant Classification Criteria Version 2. Collection method: clinical testing. Allele origin: germline. Affected: yes. Observed: 1 variant allele.
Comment: CIC: PP2

Ambry Genetics
Classification: Likely benign for Inborn genetic diseases. Last evaluated: 2023-09-01. Review status: criteria provided, single submitter. Criteria: Ambry Variant Classification Scheme 2023. Collection method: clinical testing. Allele origin: germline.